The following is an entry in ClinVar:

NM_032444.4(SLX4):c.4057C>T (p.His1353Tyr)

Gene: SLX4 (SLX4 structure-specific endonuclease subunit; minus strand). Cytogenetic location: 16p13.3.
Variant type: single nucleotide variant.
Coding change: c.4057C>T on transcript NM_032444.4 (MANE Select); coding-DNA position 4057, C replaced by T.
Protein change: p.His1353Tyr; replaces histidine 1353 with tyrosine.
Molecular consequence: missense variant.
Genome position (GRCh38, 1-based): chr16:3,589,581, G>A on the plus strand (C>T on the coding strand, the complement: SLX4 is on the minus strand). VCF-style: chr16-3589581-G-A. GRCh37 (hg19) VCF-style: chr16-3639582-G-A.
Other names: short protein forms H1353Y.
Identifiers: ClinVar variation 1043034 (VCV001043034.9), dbSNP rs142205392, ClinGen allele CA7865746.
Genomic context (GRCh38, chr16:3,589,581, plus strand): 5'-ACCGCCTGCTGAAGTGGGCGCGGTCCCCTGAGATGGGATGTGGAGCCAGCGGAGAGGAGT[G>A]CGGGTGGCCCCCGGGGTGGGGACGGGAAGGGCTTCTGTGGCCTTGCCTTCTGCCGTCAGA-3'
Protein context (NP_115820.2, residues 1343-1363): PSRPHPGGHP[His1353Tyr]SSPLAPHPIS

ClinVar aggregate classification (germline): Uncertain significance. Review status: criteria provided, multiple submitters, no conflicts (2 of 4 stars). 2 submissions from 2 submitters: Uncertain significance (2). Last evaluated 2024-02-15.

Conditions:
Fanconi anemia complementation group P. Also called: SLX4-Related Fanconi Anemia. Identifiers: Orphanet 84, MedGen C3469542, MONDO:0013499, OMIM 613951.
Fanconi anemia (FA). Also called: Fanconi's anemia. Identifiers: Orphanet 84, MedGen C0015625, MeSH D005199, MONDO:0019391.

gnomAD v4.1: 2 of 1,613,236 alleles (0.00012%); highest among the groups gnomAD compares: East Asian, 0.0045%; no homozygotes.

Submissions (2):

Fulgent Genetics
Classification: Uncertain significance for Fanconi anemia complementation group P. Last evaluated: 2024-02-15. Review status: criteria provided, single submitter. Criteria: ACMG Guidelines, 2015. Collection method: clinical testing. Allele origin: germline.

Labcorp Genetics (formerly Invitae), Labcorp
Classification: Uncertain significance for Fanconi anemia. Last evaluated: 2022-09-27. Review status: criteria provided, single submitter. Criteria: Invitae Variant Classification Sherloc (09022015). Collection method: clinical testing. Allele origin: germline.
Comment: Algorithms developed to predict the effect of missense changes on protein structure and function output the following: SIFT: "Tolerated"; PolyPhen-2: "Benign"; Align-GVGD: "Class C0". The tyrosine amino acid residue is found in multiple mammalian species, which suggests that this missense change does not adversely affect protein function. In summary, the available evidence is currently insufficient to determine the role of this variant in disease. Therefore, it has been classified as a Variant of Uncertain Significance. ClinVar contains an entry for this variant (Variation ID: 1043034). This sequence change replaces histidine, which is basic and polar, with tyrosine, which is neutral and polar, at codon 1353 of the SLX4 protein (p.His1353Tyr). This variant is present in population databases (rs142205392, gnomAD 0.02%). This variant has not been reported in the literature in individuals affected with SLX4-related conditions.